The following is an entry in ClinVar:

NM_020919.4(ALS2):c.2646C>T (p.Leu882=)

Gene: ALS2 (alsin Rho guanine nucleotide exchange factor ALS2; minus strand). Cytogenetic location: 2q33.1.
Variant type: single nucleotide variant.
Coding change: c.2646C>T on transcript NM_020919.4 (MANE Select); coding-DNA position 2646, C replaced by T.
Protein change: p.Leu882=; no amino-acid change (leucine 882 retained).
Molecular consequence: synonymous variant.
Genome position (GRCh38, 1-based): chr2:201,729,118, G>A on the plus strand (C>T on the coding strand, the complement: ALS2 is on the minus strand). VCF-style: chr2-201729118-G-A. GRCh37 (hg19) VCF-style: chr2-202593841-G-A.
Other names: c.2646C>T, p.Leu882= (NM_001410975.1); c.2646C>T (NM_020919.3).
Identifiers: ClinVar variation 3650630 (VCV003650630.3).

ClinVar aggregate classification (germline): Benign/Likely benign. Review status: criteria provided, multiple submitters, no conflicts (2 of 4 stars). 2 submissions from 2 submitters: Benign (1); Likely benign (1). Last evaluated 2025-02-04.

Conditions:
Infantile-onset ascending hereditary spastic paralysis (IAHSP). Also called: Autosomal Recessive Juvenile Amyotrophic Lateral Sclerosis; Infantile-Onset Ascending Hereditary Spastic Paralysis (IAHSP). Identifiers: Orphanet 293168, MedGen C2931441, MONDO:0011797, OMIM 607225. Disease mechanism: loss of function.
ALS2-related disorder. Also called: ALS2-related condition; ALS2-related disorders; ALS2-Related Spectrum Disorders. Identifiers: MedGen CN169291.

gnomAD v4.1: 60 of 1,613,712 alleles (0.0037%); highest among the groups gnomAD compares: African/African-American, 0.063%; no homozygotes.

Submissions (2):

PreventionGenetics, part of Exact Sciences
Classification: Likely benign for ALS2-related condition. Last evaluated: 2025-02-04. Review status: criteria provided, single submitter. Criteria: ACMG Guidelines, 2015. Collection method: clinical testing. Allele origin: germline.
Comment: This variant is classified as likely benign based on ACMG/AMP sequence variant interpretation guidelines (Richards et al. 2015 PMID: 25741868, with internal and published modifications).

Labcorp Genetics (formerly Invitae), Labcorp
Classification: Benign for Infantile-onset ascending hereditary spastic paralysis. Last evaluated: 2024-10-10. Review status: criteria provided, single submitter. Criteria: Invitae Variant Classification Sherloc (09022015). Collection method: clinical testing. Allele origin: germline.